The following is an entry in ClinVar:

NM_001042750.2(STAG2):c.2435C>T (p.Pro812Leu)

Gene: STAG2 (STAG2 cohesin complex component; plus strand). Cytogenetic location: Xq25.
Variant type: single nucleotide variant.
Coding change: c.2435C>T on transcript NM_001042750.2 (MANE Select); coding-DNA position 2435, C replaced by T.
Protein change: p.Pro812Leu; replaces proline 812 with leucine.
Molecular consequence: missense variant.
Genome position (GRCh38, 1-based): chrX:124,071,225, C>T. VCF-style: chrX-124071225-C-T. GRCh37 (hg19) VCF-style: chrX-123205075-C-T.
Other names: c.2435C>T, p.Pro812Leu (NM_001042749.2, NM_001042751.2, NM_001282418.2 and 13 more transcripts); short protein forms P812L.
Identifiers: ClinVar variation 3618823 (VCV003618823.2).
Genomic context (GRCh38, chrX:124,071,225, plus strand): 5'-GTGATATTTTGATGATCTTCAGCCATCAGATTATGTCAGGAGGGCGTGACATGTTAGAGC[C>T]ATTAGTGTATACCCCTGATTCTTCATTGCAGTCTGAGTTGCTCAGCTTTATTTTGGATCA-3'
Protein context (NP_001036215.1, residues 802-822): IMSGGRDMLE[Pro812Leu]LVYTPDSSLQ

ClinVar aggregate classification (germline): Uncertain significance (1 of 4 stars; one submission).

gnomAD v4.1: 1 of 1,204,408 alleles (0.000083%); no homozygotes.

Submission:

Labcorp Genetics (formerly Invitae), Labcorp
Classification: Uncertain significance. Last evaluated: 2024-10-15. Review status: criteria provided, single submitter. Criteria: Invitae Variant Classification Sherloc (09022015). Collection method: clinical testing. Allele origin: germline.
Comment: This sequence change replaces proline, which is neutral and non-polar, with leucine, which is neutral and non-polar, at codon 812 of the STAG2 protein (p.Pro812Leu). This variant is not present in population databases (gnomAD no frequency). This variant has not been reported in the literature in individuals affected with STAG2-related conditions. Invitae Evidence Modeling of protein sequence and biophysical properties (such as structural, functional, and spatial information, amino acid conservation, physicochemical variation, residue mobility, and thermodynamic stability) indicates that this missense variant is not expected to disrupt STAG2 protein function with a negative predictive value of 80%. In summary, the available evidence is currently insufficient to determine the role of this variant in disease. Therefore, it has been classified as a Variant of Uncertain Significance.